The following is an entry in ClinVar:

ClinVar aggregate classification (germline): Uncertain significance. Review status: criteria provided, multiple submitters, no conflicts (2 of 4 stars). 5 submissions from 5 submitters: Uncertain significance (5). Last evaluated 2025-12-29.

Conditions:
Ataxia-telangiectasia syndrome (AT). Also called: Ataxia telangiectasia (A-T); LOUIS-BAR SYNDROME; Cerebello-oculocutaneous telangiectasia; Immunodeficiency with ataxia telangiectasia; Ataxia-telangiectasia, complementation group D; AT, COMPLEMENTATION GROUP C. Identifiers: Orphanet 100, MedGen C0004135, MONDO:0008840, OMIM 208900.
Hereditary cancer-predisposing syndrome. Also called: Hereditary neoplastic syndrome; Neoplastic Syndromes, Hereditary; Tumor predisposition; Hereditary Cancer Syndrome. Identifiers: Orphanet 140162, MedGen C0027672, MeSH D009386, MONDO:0015356.

Allele frequency attached by ClinVar (database versions not stated): TOPMed 0.00001.

Submissions (5):

Center for Genomic Medicine, Rigshospitalet, Copenhagen University Hospital
Classification: Uncertain significance. Last evaluated: 2025-12-29. Review status: criteria provided, single submitter. Criteria: ACMG Guidelines, 2015. Collection method: clinical testing. Allele origin: germline.
Comment: Classification criteria: PM2_supporting

Ambry Genetics
Classification: Uncertain significance for Hereditary cancer-predisposing syndrome. Last evaluated: 2024-09-03. Review status: criteria provided, single submitter. Criteria: Ambry Variant Classification Scheme 2023. Collection method: clinical testing. Allele origin: germline.
Comment: The p.Y171C variant (also known as c.512A>G), located in coding exon 5 of the ATM gene, results from an A to G substitution at nucleotide position 512. The tyrosine at codon 171 is replaced by cysteine, an amino acid with highly dissimilar properties. This amino acid position is highly conserved in available vertebrate species. In addition, the in silico prediction for this alteration is inconclusive. Based on the available evidence, the clinical significance of this variant remains unclear.

Labcorp Genetics (formerly Invitae), Labcorp
Classification: Uncertain significance for Ataxia-telangiectasia syndrome. Last evaluated: 2023-08-27. Review status: criteria provided, single submitter. Criteria: Invitae Variant Classification Sherloc (09022015). Collection method: clinical testing. Allele origin: germline.
Comment: An algorithm developed to predict the effect of missense changes on protein structure and function (PolyPhen-2) suggests that this variant is likely to be disruptive. In summary, the available evidence is currently insufficient to determine the role of this variant in disease. Therefore, it has been classified as a Variant of Uncertain Significance. ClinVar contains an entry for this variant (Variation ID: 407583). This missense change has been observed in individual(s) with sarcoma (PMID: 28878254). This variant is not present in population databases (gnomAD no frequency). This sequence change replaces tyrosine, which is neutral and polar, with cysteine, which is neutral and slightly polar, at codon 171 of the ATM protein (p.Tyr171Cys).

Color Diagnostics, LLC DBA Color Health
Classification: Uncertain significance for Hereditary cancer-predisposing syndrome. Last evaluated: 2022-05-05. Review status: criteria provided, single submitter. Criteria: ACMG Guidelines, 2015. Collection method: clinical testing. Allele origin: germline.
Comment: This missense variant replaces tyrosine with cysteine at codon 171 of the ATM protein. Computational prediction suggests that this variant may not impact protein structure and function (internally defined REVEL score threshold <= 0.5, PMID: 27666373). To our knowledge, functional studies have not been reported for this variant. This variant has been reported in an individual affected with sarcoma (PMID: 28878254). This variant has not been identified in the general population by the Genome Aggregation Database (gnomAD). The available evidence is insufficient to determine the role of this variant in disease conclusively. Therefore, this variant is classified as a Variant of Uncertain Significance.

GeneDx
Classification: Uncertain significance. Last evaluated: 2017-01-05. Review status: criteria provided, single submitter. Criteria: GeneDx Variant Classification (06012015). Collection method: clinical testing. Allele origin: germline. Affected: yes.
Comment: This variant is denoted ATM c.512A>G at the cDNA level, p.Tyr171Cys (Y171C) at the protein level, and results in the change of a Tyrosine to a Cysteine (TAC>TGC). This variant has not, to our knowledge, been published in the literature as pathogenic or benign. ATM Tyr171Cys was not observed in approximately 6,500 individuals of European and African American ancestry in the NHLBI Exome Sequencing Project, indicating it is not a common benign variant in these populations. Since Tyrosine and Cysteine differ in polarity, charge, size or other properties, this is considered a non-conservative amino acid substitution. ATM Tyr171Cys occurs at a position that is conserved across species and is not located in a known functional domain. In silico analyses predict that this variant is probably damaging to protein structure and function. Based on currently available information, it is unclear whether ATM Tyr171Cys is pathogenic or benign. We consider it to be a variant of uncertain significance.

Literature cited by the submitters: PubMed 30093976 (cited by Ambry Genetics); PubMed 28878254 (cited by Labcorp Genetics (formerly Invitae), Labcorp and Color Diagnostics, LLC DBA Color Health).

NM_000051.4(ATM):c.512A>G (p.Tyr171Cys)

Gene: ATM (ATM serine/threonine kinase; plus strand). Cytogenetic location: 11q22.3.
Variant type: single nucleotide variant.
Coding change: c.512A>G on transcript NM_000051.4 (MANE Select); coding-DNA position 512, A replaced by G.
Protein change: p.Tyr171Cys; replaces tyrosine 171 with cysteine.
Molecular consequence: missense variant.
Genome position (GRCh38, 1-based): chr11:108,243,968, A>G. VCF-style: chr11-108243968-A-G. GRCh37 (hg19) VCF-style: chr11-108114695-A-G.
Other names: c.512A>G, p.Tyr171Cys (NM_001351834.2); short protein forms Y171C.
Identifiers: ClinVar variation 407583 (VCV000407583.17), dbSNP rs1060501616, ClinGen allele CA16613243.
Genomic context (GRCh38, chr11:108,243,968, plus strand): 5'-TGATTTTTAAAAAATCATGACTAATAATTTTTTTTTTTTTTTAAGAATTGTTCTCTGTGT[A>G]CTTCAGGCTCTATCTGAAACCTTCACAAGATGTTCATAGAGTTTTAGTGGCTAGAATAAT-3'
Protein context (NP_000042.3, residues 161-181): QQQWLELFSV[Tyr171Cys]FRLYLKPSQD